The following is an entry in ClinVar:

NM_015272.5(RPGRIP1L):c.1408_1410del (p.Lys470del)

Gene: RPGRIP1L (RPGRIP1 like; minus strand). Cytogenetic location: 16q12.2.
Variant type: Deletion.
Coding change: c.1408_1410del on transcript NM_015272.5 (MANE Select); coding-DNA positions 1408 to 1410, 3 bases deleted (AAA; older notation c.1408_1410delAAA).
Protein change: p.Lys470del; deletes lysine 470.
Molecular consequence: inframe deletion.
Genome position (GRCh38, 1-based): chr16:53,657,624-53,657,626, TTT deleted on the plus strand (AAA on the coding strand, the reverse complement: RPGRIP1L is on the minus strand); deleting any 3 consecutive bases within chr16:53,657,624-53,657,628 gives the same sequence; the c. name uses the placement nearest the transcript's 3' end. VCF-style (leftmost placement, unchanged base first): chr16-53657623-CTTT-C. GRCh37 (hg19) VCF-style: chr16-53691535-CTTT-C.
Other names: c.1408_1410del, p.Lys470del (NM_001127897.4, NM_001308334.3, NM_001330538.2); short protein forms K470del.
Identifiers: ClinVar variation 3347938 (VCV003347938.1).

ClinVar aggregate classification (germline): Uncertain significance (0 of 4 stars; one submission).

Conditions:
RPGRIP1L-related disorder. Also called: RPGRIP1L-related condition; RPGRIP1L-related disorders. Identifiers: MedGen CN239416.

Submission:

PreventionGenetics, part of Exact Sciences
Classification: Uncertain significance for RPGRIP1L-related condition. Last evaluated: 2024-05-03. Review status: no assertion criteria provided. Collection method: clinical testing. Allele origin: germline.
Comment: The RPGRIP1L c.1408_1410delAAA variant is predicted to result in an in-frame deletion (p.Lys470del). To our knowledge, this variant has not been reported in the literature. This variant is reported in 0.012% of alleles in individuals of African descent in gnomAD. At this time, the clinical significance of this variant is uncertain due to the absence of conclusive functional and genetic evidence.